The following is an entry in ClinVar:

NM_001365536.1(SCN9A):c.64C>G (p.Leu22Val)

Gene: SCN9A (sodium voltage-gated channel alpha subunit 9; minus strand). Cytogenetic location: 2q24.3.
Variant type: single nucleotide variant.
Coding change: c.64C>G on transcript NM_001365536.1 (MANE Select); coding-DNA position 64, C replaced by G.
Protein change: p.Leu22Val; replaces leucine 22 with valine.
Molecular consequence: missense variant.
Genome position (GRCh38, 1-based): chr2:166,311,693, G>C on the plus strand (C>G on the coding strand, the complement: SCN9A is on the minus strand). VCF-style: chr2-166311693-G-C. GRCh37 (hg19) VCF-style: chr2-167168203-G-C.
Other names: c.64C>G, p.Leu22Val (NM_002977.4); short protein forms L22V.
Identifiers: ClinVar variation 641624 (VCV000641624.10), dbSNP rs978057086, ClinGen allele CA59810446.

ClinVar aggregate classification (germline): Uncertain significance. Review status: criteria provided, multiple submitters, no conflicts (2 of 4 stars). 2 submissions from 2 submitters: Uncertain significance (2). Last evaluated 2025-05-14.

Conditions:
Generalized epilepsy with febrile seizures plus, type 7 (GEFSP7). Also called: GEFS+, TYPE 7. Identifiers: Orphanet 36387, MedGen C2751778, MONDO:0013470, OMIM 613863.
Neuropathy, hereditary sensory and autonomic, type 2A (HSAN2A). Also called: HSAN IIA; ACROOSTEOLYSIS, GIACCAI TYPE; ACROOSTEOLYSIS, NEUROGENIC; MORVAN DISEASE; NEUROPATHY, CONGENITAL SENSORY; NEUROPATHY, HEREDITARY SENSORY RADICULAR, AUTOSOMAL RECESSIVE. Identifiers: Orphanet 970, MedGen C2752089, MONDO:0024309, OMIM 201300.
Inborn genetic diseases. Identifiers: MedGen C0950123, MeSH D030342.

Allele frequency attached by ClinVar (database versions not stated): gnomAD exomes below 0.00001; TOPMed below 0.00001.

Submissions (2):

Labcorp Genetics (formerly Invitae), Labcorp
Classification: Uncertain significance for Neuropathy, hereditary sensory and autonomic, type 2A; Generalized epilepsy with febrile seizures plus, type 7. Last evaluated: 2025-05-14. Review status: criteria provided, single submitter. Criteria: Invitae Variant Classification Sherloc (09022015). Collection method: clinical testing. Allele origin: germline.
Comment: This sequence change replaces leucine, which is neutral and non-polar, with valine, which is neutral and non-polar, at codon 22 of the SCN9A protein (p.Leu22Val). This variant is not present in population databases (gnomAD no frequency). This variant has not been reported in the literature in individuals affected with SCN9A-related conditions. ClinVar contains an entry for this variant (Variation ID: 641624). Invitae Evidence Modeling of protein sequence and biophysical properties (such as structural, functional, and spatial information, amino acid conservation, physicochemical variation, residue mobility, and thermodynamic stability) has been performed for this missense variant. However, the output from this modeling did not meet the statistical confidence thresholds required to predict the impact of this variant on SCN9A protein function. In summary, the available evidence is currently insufficient to determine the role of this variant in disease. Therefore, it has been classified as a Variant of Uncertain Significance.

Ambry Genetics
Classification: Uncertain significance for Inborn genetic diseases. Last evaluated: 2024-01-12. Review status: criteria provided, single submitter. Criteria: Ambry Variant Classification Scheme 2023. Collection method: clinical testing. Allele origin: germline.